The following is an entry in ClinVar:

NM_001143986.2(TLE6):c.1461A>G (p.Gln487=)

Gene: TLE6 (TLE family member 6, subcortical maternal complex member; plus strand). Cytogenetic location: 19p13.3.
Variant type: single nucleotide variant.
Coding change: c.1461A>G on transcript NM_001143986.2 (MANE Select); coding-DNA position 1461, A replaced by G.
Protein change: p.Gln487=; no amino-acid change (glutamine 487 retained).
Molecular consequence: synonymous variant.
Genome position (GRCh38, 1-based): chr19:2,993,506, A>G. VCF-style: chr19-2993506-A-G. GRCh37 (hg19) VCF-style: chr19-2993504-A-G.
Other names: c.1092A>G, p.Gln364= (NM_024760.3).
Identifiers: ClinVar variation 3040040 (VCV003040040.2), dbSNP rs374858414, ClinGen allele CA9073108.
Genomic context (GRCh38, chr19:2,993,506, plus strand): 5'-CCACAGCCCCCAGGAGGACTGGGTGCTGCTGGGCATGGCCAATGGCCAGCAGTGGCTGCA[A>G]AGCACCAGCGGGAGCCAGCGGCACATGGTGGGGCAAAAAGACAGCGTCATCCTGAGCGTC-3'
Protein context (NP_001137458.1, residues 477-497): LGMANGQQWL[Gln487=]STSGSQRHMV

ClinVar aggregate classification (germline): Likely benign (0 of 4 stars; one submission).

Conditions:
TLE6-related disorder. Also called: TLE6-related condition.

Allele frequency attached by ClinVar (database versions not stated): gnomAD exomes 0.00004; gnomAD 0.00011; TOPMed 0.00014; ExAC 0.00021; 1000 Genomes Project 30x 0.00047; 1000 Genomes Project 0.00060.
gnomAD v4.1: 121 of 1,597,238 alleles (0.0076%); highest among the groups gnomAD compares: East Asian, 0.14%; 1 homozygote.

Submission:

PreventionGenetics, part of Exact Sciences
Classification: Likely benign for TLE6-related condition. Last evaluated: 2019-02-22. Review status: no assertion criteria provided. Collection method: clinical testing. Allele origin: germline.
Comment: This variant is classified as likely benign based on ACMG/AMP sequence variant interpretation guidelines (Richards et al. 2015 PMID: 25741868, with internal and published modifications).